The following is an entry in ClinVar:

NM_003060.4(SLC22A5):c.1462C>T (p.Arg488Cys)

Gene: SLC22A5 (solute carrier family 22 member 5; plus strand). Cytogenetic location: 5q31.1.
Variant type: single nucleotide variant.
Coding change: c.1462C>T on transcript NM_003060.4 (MANE Select); coding-DNA position 1462, C replaced by T.
Protein change: p.Arg488Cys; replaces arginine 488 with cysteine.
Molecular consequence: missense variant.
Genome position (GRCh38, 1-based): chr5:132,393,687, C>T. VCF-style: chr5-132393687-C-T. GRCh37 (hg19) VCF-style: chr5-131729379-C-T.
Other names: p.Arg488Cys; c.1534C>T, p.Arg512Cys (NM_001308122.2); short protein forms R488C, R512C.
Identifiers: ClinVar variation 460399 (VCV000460399.26), dbSNP rs377216516, ClinGen allele CA3404179.

ClinVar aggregate classification (germline): Conflicting classifications of pathogenicity. Review status: criteria provided, conflicting classifications (1 of 4 stars). 12 submissions from 12 submitters: Pathogenic (5); Likely pathogenic (6); Uncertain significance (1). Last evaluated 2025-12-28.

Conditions:
SLC22A5-related disorder. Also called: SLC22A5-related condition.
Carnitine deficiency. Identifiers: MedGen C1142132.
Renal carnitine transport defect (CDSP). Also called: Systemic primary carnitine deficiency; CARNITINE DEFICIENCY, SYSTEMIC, DUE TO DEFECT IN RENAL REABSORPTION OF CARNITINE; CARNITINE TRANSPORTER, PLASMA-MEMBRANE, DEFICIENCY OF; CARNITINE UPTAKE DEFECT; Primary carnitine deficiency; Carnitine transporter deficiency. Identifiers: Orphanet 158, MedGen C0342788, MONDO:0008919, OMIM 212140.

Allele frequency attached by ClinVar (database versions not stated): TOPMed 0.00003; gnomAD 0.00005; ESP Exome Variant Server 0.00008.
gnomAD v4.1: 44 of 1,614,036 alleles (0.0027%); highest among the groups gnomAD compares: Admixed American, 0.013%; no homozygotes.

Submissions (12):

Labcorp Genetics (formerly Invitae), Labcorp
Classification: Pathogenic for Renal carnitine transport defect. Last evaluated: 2025-12-28. Review status: criteria provided, single submitter. Criteria: Invitae Variant Classification Sherloc (09022015). Collection method: clinical testing. Allele origin: germline.
Comment: This sequence change replaces arginine, which is basic and polar, with cysteine, which is neutral and slightly polar, at codon 488 of the SLC22A5 protein (p.Arg488Cys). This variant is present in population databases (rs377216516, gnomAD 0.01%). This missense change has been observed in individual(s) with primary carnitine deficiency with low levels of plasma free carnitine (PMID: 17126586, 30863740). In at least one individual the data is consistent with being in trans (on the opposite chromosome) from a pathogenic variant. ClinVar contains an entry for this variant (Variation ID: 460399). Invitae Evidence Modeling of protein sequence and biophysical properties (such as structural, functional, and spatial information, amino acid conservation, physicochemical variation, residue mobility, and thermodynamic stability) indicates that this missense variant is expected to disrupt SLC22A5 protein function with a positive predictive value of 95%. Experimental studies have shown that this missense change affects SLC22A5 function (PMID: 28841266). For these reasons, this variant has been classified as Pathogenic.

Mayo Clinic Laboratories, Mayo Clinic
Classification: Likely pathogenic. Last evaluated: 2025-08-13. Review status: criteria provided, single submitter. Criteria: ACMG Guidelines, 2015. Collection method: clinical testing. Allele origin: germline. Observed: 1 variant allele.
Comment: PM2_supporting, PM3_strong, PS3_supporting

Natera, Inc.
Classification: Likely pathogenic for Carnitine deficiency. Last evaluated: 2025-07-07. Review status: criteria provided, single submitter. Criteria: Natera Variant Classification Schema (03/2026). Collection method: clinical testing. Allele origin: germline.
Comment: The c.1462C>T variant in SLC22A5 is a missense variant predicted to cause substitution of arginine to cysteine at amino acid 488. This variant is rare in the general population with a frequency below the threshold expected for the associated phenotype(s). This variant has been observed in one or more individuals affected with the associated recessive disease, as either homozygous or compound heterozygous with a second variant (PMID: 28841266, 30838026). Functional studies show that this variant may disrupt protein function (PMID: 28841266). Computational prediction algorithms indicate this variant is likely to affect gene or protein function. Given the available evidence, this variant is classified as Likely Pathogenic.

Blueprint Genetics
Classification: Likely pathogenic for SLC22A5-related disorders. Last evaluated: 2024-11-18. Review status: criteria provided, single submitter. Criteria: ACMG Guidelines, 2015. Collection method: clinical testing. Allele origin: germline. Affected: yes. Observed: 2 variant alleles.

Department of Genetics of Metabolic Diseases, Institute of Medical & Molecular Genetics, Hospital Universitario Hospital La Paz
Classification: Likely pathogenic for Renal carnitine transport defect. Last evaluated: 2024-09-01. Review status: criteria provided, single submitter. Criteria: ACMG Guidelines, 2015. Collection method: clinical testing. Allele origin: germline. Inheritance: Autosomal recessive inheritance. Affected: yes.
Comment: The variant NM_003060.3:c.1462C>T p.(Arg488Cys) in SLC22A5 is present at low frequency in gnomAD (0.003536%) and computational prediction tools support a deleterious effect on the gene. Functional studies in CHO cells confirm this variant reduces significatively OCTN2´s activity (PMID: 28841266). This variant has been observed in individuals with abnormal levels of free carnitine consistent with primary carnitine deficiency, carrying this variant in homozygous and compound heterozygous form (PMID:17126586,30863740, Hidalgo Mayoral I et al., in press).

Women's Health and Genetics/Laboratory Corporation of America, LabCorp
Classification: Pathogenic for Renal carnitine transport defect. Last evaluated: 2024-05-16. Review status: criteria provided, single submitter. Criteria: LabCorp Variant Classification Summary - May 2015. Collection method: clinical testing. Allele origin: germline.
Comment: Variant summary: SLC22A5 c.1462C>T (p.Arg488Cys) results in a non-conservative amino acid change located in the Major facilitator superfamily domain (IPR020846) of the encoded protein sequence. Four of five in-silico tools predict a damaging effect of the variant on protein function. The variant allele was found at a frequency of 3.6e-05 in 251444 control chromosomes. c.1462C>T has been reported in the literature in individuals affected with Systemic Primary Carnitine Deficiency (example, Adhikari_2020, Frigeni_2017, Schimmenti_2007, Zhou_2019). These data indicate that the variant is likely to be associated with disease. At least one publication reports experimental evidence evaluating an impact on protein function. The most pronounced variant effect results in <10% of normal activity in CHO cells (Frigeni_HM_2017). The following publications have been ascertained in the context of this evaluation (PMID: 32778825, 28841266, 17126586, 30863740). ClinVar contains an entry for this variant (Variation ID: 460399). Based on the evidence outlined above, the variant was classified as pathogenic.

Laboratory of Medical Genetics, National & Kapodistrian University of Athens
Classification: Pathogenic for Renal carnitine transport defect. Last evaluated: 2024-02-01. Review status: criteria provided, single submitter. Criteria: ACMG Guidelines, 2015. Collection method: curation. Allele origin: germline. Affected: no.

Fulgent Genetics
Classification: Likely pathogenic for Renal carnitine transport defect. Last evaluated: 2022-02-02. Review status: criteria provided, single submitter. Criteria: ACMG Guidelines, 2015. Collection method: clinical testing. Allele origin: unknown.

Genome-Nilou Lab
Classification: Pathogenic for Renal carnitine transport defect. Last evaluated: 2021-07-15. Review status: criteria provided, single submitter. Criteria: ACMG Guidelines, 2015. Collection method: clinical testing. Allele origin: germline. Affected: no.

GeneDx
Classification: Pathogenic. Last evaluated: 2020-12-09. Review status: criteria provided, single submitter. Criteria: GeneDx Variant Classification Process June 2021. Collection method: clinical testing. Allele origin: germline. Affected: yes.
Comment: Expression studies found that R488C results in OCTN2 carnitine transporter activity that is approximately 9.5% that of wild-type (Frigeni et al. 2017); Not observed at a significant frequency in large population cohorts (Lek et al., 2016); In silico analysis supports that this missense variant has a deleterious effect on protein structure/function; This variant is associated with the following publications: (PMID: 28841266, 17126586, 20574985, 25087612, 30863740)

Stanford Center for Inherited Cardiovascular Disease, Stanford University
Classification: Uncertain significance. Last evaluated: 2017-04-11. Review status: criteria provided, single submitter. Criteria: ACMG Guidelines, 2015. Collection method: provider interpretation. Allele origin: germline.

Juno Genomics, Hangzhou Juno Genomics, Inc
Classification: Likely pathogenic for Renal carnitine transport defect. Review status: criteria provided, single submitter. Criteria: ACMG Guidelines, 2015. Collection method: clinical testing. Allele origin: germline.
Comment: Absent from controls (or at extremely low frequency if recessive) in Genome Aggregation Database.;For recessive disorders, detected in trans with a pathogenic variant.;Patient's phenotype or family history is highly specific for a disease with a single genetic etiology.

Literature cited by the submitters: PubMed 17126586 (cited by 3 submitters); PubMed 30863740 (cited by 3 submitters); PubMed 28841266 (cited by 4 submitters); PubMed 20574985 (cited by Mayo Clinic Laboratories, Mayo Clinic); PubMed 25087612 (cited by Mayo Clinic Laboratories, Mayo Clinic); PubMed 32778825 (cited by Mayo Clinic Laboratories, Mayo Clinic and Women's Health and Genetics/Laboratory Corporation of America, LabCorp); PubMed 30838026 (cited by Natera, Inc.); PubMed 41022664 (cited by Department of Genetics of Metabolic Diseases, Institute of Medical & Molecular Genetics, Hospital Universitario Hospital La Paz).